The following is an entry in ClinVar:

NM_001079537.2(TRAPPC6B):c.240_241del (p.Gln80fs)

Gene: TRAPPC6B (trafficking protein particle complex subunit 6B; minus strand). Cytogenetic location: 14q21.1.
Variant type: Deletion.
Coding change: c.240_241del on transcript NM_001079537.2 (MANE Select); coding-DNA positions 240 to 241, 2 bases deleted (AA; older notation c.240_241delAA).
Protein change: p.Gln80fs; shifts the reading frame from glutamine 80.
Molecular consequence: frameshift variant.
Genome position (GRCh38, 1-based): chr14:39,158,311-39,158,312, TT deleted on the plus strand (AA on the coding strand, the reverse complement: TRAPPC6B is on the minus strand); deleting any 2 consecutive bases within chr14:39,158,311-39,158,313 gives the same sequence; the c. name uses the placement nearest the transcript's 3' end. VCF-style (leftmost placement, unchanged base first): chr14-39158310-ATT-A. GRCh37 (hg19) VCF-style: chr14-39627514-ATT-A.
Other names: c.240_241del, p.Gln80fs (NM_177452.4); short protein forms Q80fs.
Identifiers: ClinVar variation 5005321 (VCV005005321.2).

ClinVar aggregate classification (germline): Likely pathogenic (1 of 4 stars; one submission).

Conditions:
Neurodevelopmental disorder with microcephaly, epilepsy, and brain atrophy. Identifiers: MedGen C4693390, MONDO:0060640, OMIM 617862.

Submission:

Juno Genomics, Hangzhou Juno Genomics, Inc
Classification: Likely pathogenic for Neurodevelopmental disorder with microcephaly, epilepsy, and brain atrophy. Review status: criteria provided, single submitter. Criteria: ACMG Guidelines, 2015. Collection method: clinical testing. Allele origin: germline.
Comment: Null variant in a gene where loss of function (LOF) is a known mechanism of disease.;Absent from controls (or at extremely low frequency if recessive) in Genome Aggregation Database.